The following is an entry in ClinVar:

ClinVar aggregate classification (germline): Uncertain significance (1 of 4 stars; one submission).

Conditions:
Charcot-Marie-Tooth disease dominant intermediate F. Identifiers: Orphanet 352670, MedGen C4749463, MONDO:0014074, OMIM 615185.

Submission:

Labcorp Genetics (formerly Invitae), Labcorp
Classification: Uncertain significance for Charcot-Marie-Tooth disease dominant intermediate F. Last evaluated: 2025-12-23. Review status: criteria provided, single submitter. Criteria: Invitae Variant Classification Sherloc (09022015). Collection method: clinical testing. Allele origin: germline.
Comment: This sequence change replaces threonine, which is neutral and polar, with lysine, which is basic and polar, at codon 86 of the GNB4 protein (p.Thr86Lys). This variant is not present in population databases (gnomAD no frequency). This variant has not been reported in the literature in individuals affected with GNB4-related conditions. Invitae Evidence Modeling of protein sequence and biophysical properties (such as structural, functional, and spatial information, amino acid conservation, physicochemical variation, residue mobility, and thermodynamic stability) indicates that this missense variant is not expected to disrupt GNB4 protein function with a negative predictive value of 95%. In summary, the available evidence is currently insufficient to determine the role of this variant in disease. Therefore, it has been classified as a Variant of Uncertain Significance.

NM_021629.4(GNB4):c.257C>A (p.Thr86Lys)

Gene: GNB4 (G protein subunit beta 4; minus strand). Cytogenetic location: 3q26.33.
Variant type: single nucleotide variant.
Coding change: c.257C>A on transcript NM_021629.4 (MANE Select); coding-DNA position 257, C replaced by A.
Protein change: p.Thr86Lys; replaces threonine 86 with lysine.
Molecular consequence: missense variant.
Genome position (GRCh38, 1-based): chr3:179,416,503, G>T on the plus strand (C>A on the coding strand, the complement: GNB4 is on the minus strand). VCF-style: chr3-179416503-G-T. GRCh37 (hg19) VCF-style: chr3-179134291-G-T.
Other names: short protein forms T86K.
Identifiers: ClinVar variation 4710035 (VCV004710035.1).